The following is an entry in ClinVar:

ClinVar aggregate classification (germline): Likely pathogenic. Review status: criteria provided, single submitter (1 of 4 stars). 2 submissions from 1 submitter: Likely pathogenic (2). Last evaluated 2023-05-05.

Conditions:
Aortic valve disease 1 (AOVD1). Identifiers: MedGen C3887892, MONDO:0024523, OMIM 109730.
Adams-Oliver syndrome 5 (AOS5). Identifiers: Orphanet 974, MedGen C4014970, MONDO:0014459, OMIM 616028.

Submissions (2):

Molecular Genetics Department, Kulakov National Medical Research Center for Obstetrics, Gynecology and Perinatology
Classification: Likely pathogenic for Aortic valve disease 1. Last evaluated: 2023-05-05. Review status: criteria provided, single submitter. Criteria: ACMG Guidelines, 2015. Collection method: clinical testing. Allele origin: germline. Inheritance: Autosomal dominant inheritance. Affected: yes. Observed: 1 variant allele.
Comment: A heterozygous variant in the NOTCH1 gene (9-136508275-G-T) resulting in a premature translation termination site (p.Cys1094Ter, NM_017617) has been identified. Heterozygous variants in the NOTCH1 gene have been described in patients with aortic valve disease and Adams-Oliver syndrome (OMIM: 109730, 616028). Not reported in gnomAD. Based on the totality of the evidence, the variant should be considered as likely pathogenic.

Molecular Genetics Department, Kulakov National Medical Research Center for Obstetrics, Gynecology and Perinatology
Classification: Likely pathogenic for Adams-Oliver syndrome 5; Aortic valve disease 1. Review status: criteria provided, single submitter. Criteria: ACMG Guidelines, 2015. Collection method: clinical testing. Allele origin: germline. Affected: yes.
Comment: A previously undescribed nucleotide variant creates a premature translation stop signal p.Cys1094Ter in the NOTCH1 gene. Loss-of-function variants are reported in patients with Adams-Oliver syndrome 5, 616028, Aortic valve disease 1, 109730. The variant is not present in population database (gnomAD no frequency). In summary, the currently available evidence indicates that the variant is pathogenic, but additional data are needed to prove that conclusively. Therefore, this variant has been classified as likely pathogenic.

NM_017617.5(NOTCH1):c.3282C>A (p.Cys1094Ter)

Gene: NOTCH1 (notch receptor 1; minus strand). Cytogenetic location: 9q34.3.
Variant type: single nucleotide variant.
Coding change: c.3282C>A on transcript NM_017617.5 (MANE Select); coding-DNA position 3282, C replaced by A.
Protein change: p.Cys1094Ter; replaces cysteine 1094 with a stop codon.
Molecular consequence: nonsense.
Genome position (GRCh38, 1-based): chr9:136,508,275, G>T on the plus strand (C>A on the coding strand, the complement: NOTCH1 is on the minus strand). VCF-style: chr9-136508275-G-T. GRCh37 (hg19) VCF-style: chr9-139402727-G-T.
Other names: short protein forms C1094*.
Identifiers: ClinVar variation 2578511 (VCV002578511.3), dbSNP rs748813647, ClinGen allele CA375551965.